The following is an entry in ClinVar:

NM_021625.5(TRPV4):c.2117C>A (p.Thr706Asn)

Gene: TRPV4 (transient receptor potential cation channel subfamily V member 4; minus strand). Cytogenetic location: 12q24.11.
Variant type: single nucleotide variant.
Coding change: c.2117C>A on transcript NM_021625.5 (MANE Select); coding-DNA position 2117, C replaced by A.
Protein change: p.Thr706Asn; replaces threonine 706 with asparagine.
Molecular consequence: missense variant.
Genome position (GRCh38, 1-based): chr12:109,788,491, G>T on the plus strand (C>A on the coding strand, the complement: TRPV4 is on the minus strand). VCF-style: chr12-109788491-G-T. GRCh37 (hg19) VCF-style: chr12-110226296-G-T.
Other names: c.1976C>A, p.Thr659Asn (NM_001177428.2); c.2015C>A, p.Thr672Asn (NM_001177431.2); c.1796C>A, p.Thr599Asn (NM_001177433.2); c.1937C>A, p.Thr646Asn (NM_147204.3); short protein forms T599N, T646N, T706N, T659N, T672N.
Identifiers: ClinVar variation 950581 (VCV000950581.8), dbSNP rs1889838365, ClinGen allele CA386650115.

ClinVar aggregate classification (germline): Uncertain significance (1 of 4 stars; one submission).

Conditions:
Charcot-Marie-Tooth disease axonal type 2C (HMSN2C). Also called: CHARCOT-MARIE-TOOTH DISEASE, AXONAL, AUTOSOMAL DOMINANT, TYPE 2C; Charcot-Marie-Tooth Neuropathy Type 2C; Charcot-Marie-Tooth Disease Type 2, TRPV4-Related (CMT2C). Identifiers: Orphanet 99937, MedGen C1853710, MONDO:0011633, OMIM 606071.

Submission:

Labcorp Genetics (formerly Invitae), Labcorp
Classification: Uncertain significance for Charcot-Marie-Tooth disease axonal type 2C. Last evaluated: 2019-05-12. Review status: criteria provided, single submitter. Criteria: Invitae Variant Classification Sherloc (09022015). Collection method: clinical testing. Allele origin: germline.
Comment: This variant has not been reported in the literature in individuals with TRPV4-related conditions. This sequence change replaces threonine with asparagine at codon 706 of the TRPV4 protein (p.Thr706Asn). The threonine residue is highly conserved and there is a small physicochemical difference between threonine and asparagine. This variant is not present in population databases (ExAC no frequency). Algorithms developed to predict the effect of missense changes on protein structure and function are either unavailable or do not agree on the potential impact of this missense change (SIFT: "Deleterious"; PolyPhen-2: "Probably Damaging"; Align-GVGD: "Class C0"). In summary, the available evidence is currently insufficient to determine the role of this variant in disease. Therefore, it has been classified as a Variant of Uncertain Significance.